The following is an entry in ClinVar:

ClinVar aggregate classification (germline): Uncertain significance. Review status: criteria provided, multiple submitters, no conflicts (2 of 4 stars). 2 submissions from 2 submitters: Uncertain significance (2). Last evaluated 2022-07-29.

Conditions:
LAMA2-related muscular dystrophy (LAMA2-RD). Also called: Laminin alpha 2-related dystrophy. Identifiers: MedGen C5679788, MONDO:0100228.

gnomAD v4.1: 3 of 1,613,988 alleles (0.00019%); highest among the groups gnomAD compares: Middle Eastern, 0.017%; no homozygotes.

Submissions (2):

Labcorp Genetics (formerly Invitae), Labcorp
Classification: Uncertain significance for LAMA2-related muscular dystrophy. Last evaluated: 2022-07-29. Review status: criteria provided, single submitter. Criteria: Invitae Variant Classification Sherloc (09022015). Collection method: clinical testing. Allele origin: germline.
Comment: This sequence change replaces valine, which is neutral and non-polar, with leucine, which is neutral and non-polar, at codon 2610 of the LAMA2 protein (p.Val2610Leu). The frequency data for this variant in the population databases is considered unreliable, as metrics indicate poor data quality at this position in the gnomAD database. This variant has not been reported in the literature in individuals affected with LAMA2-related conditions. Advanced modeling of protein sequence and biophysical properties (such as structural, functional, and spatial information, amino acid conservation, physicochemical variation, residue mobility, and thermodynamic stability) performed at Invitae indicates that this missense variant is not expected to disrupt LAMA2 protein function. In summary, the available evidence is currently insufficient to determine the role of this variant in disease. Therefore, it has been classified as a Variant of Uncertain Significance.

Blueprint Genetics
Classification: Uncertain significance. Last evaluated: 2021-05-18. Review status: criteria provided, single submitter. Criteria: ACMG Guidelines, 2015. Collection method: clinical testing. Allele origin: germline.

NM_000426.4(LAMA2):c.7828G>T (p.Val2610Leu)

Gene: LAMA2 (laminin subunit alpha 2; plus strand). Cytogenetic location: 6q22.33.
Variant type: single nucleotide variant.
Coding change: c.7828G>T on transcript NM_000426.4 (MANE Select); coding-DNA position 7828, G replaced by T.
Protein change: p.Val2610Leu; replaces valine 2610 with leucine.
Molecular consequence: missense variant.
Genome position (GRCh38, 1-based): chr6:129,486,552, G>T. VCF-style: chr6-129486552-G-T. GRCh37 (hg19) VCF-style: chr6-129807697-G-T.
Other names: c.7816G>T, p.Val2606Leu (NM_001079823.2); short protein forms V2606L, V2610L.
Identifiers: ClinVar variation 2161021 (VCV002161021.2), dbSNP rs200710385, ClinGen allele CA3994673.